The following is an entry in ClinVar:

NM_022124.6(CDH23):c.4396G>T (p.Ala1466Ser)

Gene: CDH23 (cadherin related 23; plus strand). Cytogenetic location: 10q22.1.
Variant type: single nucleotide variant.
Coding change: c.4396G>T on transcript NM_022124.6 (MANE Select); coding-DNA position 4396, G replaced by T.
Protein change: p.Ala1466Ser; replaces alanine 1466 with serine.
Molecular consequence: missense variant.
Genome position (GRCh38, 1-based): chr10:71,739,680, G>T. VCF-style: chr10-71739680-G-T. GRCh37 (hg19) VCF-style: chr10-73499437-G-T.
Other names: short protein forms A1466S.
Identifiers: ClinVar variation 517518 (VCV000517518.4), dbSNP rs1554864704, ClinGen allele CA377160068.

ClinVar aggregate classification (germline): Uncertain significance (1 of 4 stars; one submission).

gnomAD v4.1: 1 of 1,613,276 alleles (0.000062%); highest among the groups gnomAD compares: Non-Finnish European, 0.000085%; no homozygotes.

Submission:

Laboratory for Molecular Medicine, Mass General Brigham Personalized Medicine
Classification: Uncertain significance. Last evaluated: 2017-08-10. Review status: criteria provided, single submitter. Criteria: LMM Criteria. Collection method: clinical testing. Allele origin: germline. Observed: 1 variant allele.
Comment: The p.Ala1466Ser variant in CDH23 has not been previously reported in individual s with hearing loss or Usher syndrome, or in large population studies. Computati onal prediction tools and conservation analyses do not provide strong support fo r or against an impact to the protein. In summary, the clinical significance of the p.Ala1466Ser variant is uncertain.